The following is an entry in ClinVar:

ClinVar aggregate classification (germline): Likely benign (1 of 4 stars; one submission).

Submission:

GeneDx
Classification: Likely benign. Last evaluated: 2016-03-25. Review status: criteria provided, single submitter. Criteria: GeneDx Variant Classification (06012015). Collection method: clinical testing. Allele origin: germline. Affected: yes.
Comment: This variant is considered likely benign or benign based on one or more of the following criteria: it is a conservative change, it occurs at a poorly conserved position in the protein, it is predicted to be benign by multiple in silico algorithms, and/or has population frequency not consistent with disease.

NM_000059.4(BRCA2):c.6841+10C>T

Gene: BRCA2 (BRCA2 DNA repair associated; plus strand). Cytogenetic location: 13q13.1.
Variant type: single nucleotide variant.
Coding change: c.6841+10C>T on transcript NM_000059.4 (MANE Select); 10 bases into the intron after coding-DNA position 6841, C replaced by T.
Molecular consequence: intron variant.
Genome position (GRCh38, 1-based): chr13:32,341,206, C>T. VCF-style: chr13-32341206-C-T. GRCh37 (hg19) VCF-style: chr13-32915343-C-T.
Identifiers: ClinVar variation 385104 (VCV000385104.1), dbSNP rs1057522119, ClinGen allele CA16607479.
Genomic context (GRCh38, chr13:32,341,206, plus strand): 5'-TGTCAAATTCAAGAATTGGAAAAAGAAGAGGAGAGCCCCTTATCTTAGTGGGTAAGTGTT[C>T]ATTTTTACCTTTCGTGTTGCCAATCACTATTTTTAAAGTGTTTATTCAGTAGACTTGGTA-3'